The following is an entry in ClinVar:

NM_001267550.2(TTN):c.21157A>C (p.Thr7053Pro)

Genes: TTN (titin; minus strand), LOC126806428 (BRD4-independent group 4 enhancer GRCh37_chr2:179588362-179589561; plus strand). Cytogenetic location: 2q31.2.
Variant type: single nucleotide variant.
Coding change: c.21157A>C on transcript NM_001267550.2 (MANE Select); coding-DNA position 21157, A replaced by C.
Protein change: p.Thr7053Pro; replaces threonine 7053 with proline.
Molecular consequence: missense variant. On other transcripts: intron variant (3).
Genome position (GRCh38, 1-based): chr2:178,724,102, T>G on the plus strand (A>C on the coding strand, the complement: TTN is on the minus strand). VCF-style: chr2-178724102-T-G. GRCh37 (hg19) VCF-style: chr2-179588829-T-G.
Other names: c.17425A>C, p.Thr5809Pro (NM_133378.4); c.20206A>C, p.Thr6736Pro (NM_001256850.1); c.13282+13980A>C (NM_003319.4); c.13858+13980A>C (NM_133437.4); c.13657+13980A>C (NM_133432.3); short protein forms T5809P, T7053P, T6736P.
Identifiers: ClinVar variation 179252 (VCV000179252.11), dbSNP rs727504741, ClinGen allele CA184055.

ClinVar aggregate classification (germline): Conflicting classifications of pathogenicity. Review status: criteria provided, conflicting classifications (1 of 4 stars). 8 submissions from 4 submitters: Uncertain significance (4); Benign (2); Likely benign (2). Last evaluated 2026-03-27.

Conditions:
Early-onset myopathy with fatal cardiomyopathy (CMYO5). Also called: Salih Myopathy; CONGENITAL MYOPATHY 5 WITH CARDIOMYOPATHY. Identifiers: Orphanet 289377, MedGen C2673677, MONDO:0012714, OMIM 611705. Disease mechanism: loss of function.
Dilated cardiomyopathy 1G (CMD1G). Identifiers: Orphanet 154, MedGen C1858763, MONDO:0011400, OMIM 604145.
Myopathy, myofibrillar, 9, with early respiratory failure (MFM9). Also called: MYOPATHY, PROXIMAL, WITH EARLY RESPIRATORY MUSCLE INVOLVEMENT; Hereditary myopathy with early respiratory failure; Myopathy, distal, with early respiratory failure, autosomal dominant; EDSTROM MYOPATHY. Identifiers: Orphanet 34521, MedGen C1863599, MONDO:0011362, OMIM 603689, Orphanet 178464.
Autosomal recessive limb-girdle muscular dystrophy type 2J (LGMDR10). Also called: Limb-girdle muscular dystrophy, type 2J; MUSCULAR DYSTROPHY, LIMB-GIRDLE, AUTOSOMAL RECESSIVE 10. Identifiers: Orphanet 140922, MedGen C1837342, MONDO:0012127, OMIM 608807.
Tibial muscular dystrophy (TMD). Also called: Udd Distal Myopathy – Tibial Muscular Dystrophy; UDD MYOPATHY; Tibial muscular dystrophy, tardive. Identifiers: Orphanet 609, MedGen C1838244, MONDO:0010870, OMIM 600334.

Allele frequency attached by ClinVar (database versions not stated): gnomAD 0.00001; TOPMed 0.00002; gnomAD exomes 0.00004 and 0.00008; ExAC 0.00010.
gnomAD v4.1: 65 of 1,612,806 alleles (0.004%); highest among the groups gnomAD compares: South Asian, 0.036%; no homozygotes.

Submissions (8):

Molecular Diagnostic Laboratory for Inherited Cardiovascular Disease, Montreal Heart Institute
Classification: Likely benign. Last evaluated: 2026-03-27. Review status: criteria provided, single submitter. Criteria: ACMG Guidelines, 2015. Collection method: clinical testing. Allele origin: germline. Affected: no.
Comment: BS1;BP1

Blueprint Genetics
Classification: Likely benign. Last evaluated: 2024-02-02. Review status: criteria provided, single submitter. Criteria: ACMG Guidelines, 2015. Collection method: clinical testing. Allele origin: germline.

Illumina Laboratory Services, Illumina
Classification: Uncertain significance for Dilated cardiomyopathy 1G. Last evaluated: 2018-01-13. Review status: criteria provided, single submitter. Criteria: ICSL Variant Classification Criteria 13 December 2019. Collection method: clinical testing. Allele origin: germline.

Illumina Laboratory Services, Illumina
Classification: Uncertain significance for Autosomal recessive limb-girdle muscular dystrophy type 2J. Last evaluated: 2018-01-13. Review status: criteria provided, single submitter. Criteria: ICSL Variant Classification Criteria 13 December 2019. Collection method: clinical testing. Allele origin: germline.

Illumina Laboratory Services, Illumina
Classification: Benign for Myopathy, myofibrillar, 9, with early respiratory failure. Last evaluated: 2018-01-13. Review status: criteria provided, single submitter. Criteria: ICSL Variant Classification Criteria 13 December 2019. Collection method: clinical testing. Allele origin: germline.
Comment: This variant was observed in the ICSL laboratory as part of a predisposition screen in an ostensibly healthy population. It had not been previously curated by ICSL or reported in the Human Gene Mutation Database (HGMD: prior to June 1st, 2018), and was therefore a candidate for classification through an automated scoring system. Utilizing variant allele frequency, disease prevalence and penetrance estimates, and inheritance mode, an automated score was calculated to assess if this variant is too frequent to cause the disease. Based on the score and internal cut-off values, a variant classified as benign is not then subjected to further curation. The score for this variant resulted in a classification of benign for this disease.

Illumina Laboratory Services, Illumina
Classification: Benign for Tibial muscular dystrophy. Last evaluated: 2018-01-13. Review status: criteria provided, single submitter. Criteria: ICSL Variant Classification Criteria 13 December 2019. Collection method: clinical testing. Allele origin: germline.
Comment: the same text as in the submission from Illumina Laboratory Services, Illumina above.

Illumina Laboratory Services, Illumina
Classification: Uncertain significance for Early-onset myopathy with fatal cardiomyopathy. Last evaluated: 2018-01-13. Review status: criteria provided, single submitter. Criteria: ICSL Variant Classification Criteria 13 December 2019. Collection method: clinical testing. Allele origin: germline.

Laboratory for Molecular Medicine, Mass General Brigham Personalized Medicine
Classification: Uncertain significance. Last evaluated: 2013-10-10. Review status: criteria provided, single submitter. Criteria: LMM Criteria. Collection method: clinical testing. Allele origin: germline. Observed: 1 variant allele.
Comment: The Thr5809Pro variant in TTN has not been previously reported in individuals wi th cardiomyopathy and was absent from large population studies. Threonine (Thr) at position 5809 is not conserved in mammals, suggesting a change at this positi on may be tolerated, though additional computational analyses (biochemical amino acid properties, AlignGVGD, PolyPhen2, and SIFT) do not provide strong support for or against an impact to the protein. Additional information is needed to ful ly assess the clinical significance of this variant.